The following is an entry in ClinVar:

NM_032776.3(JMJD1C):c.3380C>G (p.Ala1127Gly)

Gene: JMJD1C (jumonji domain containing 1C; minus strand). Cytogenetic location: 10q21.3.
Variant type: single nucleotide variant.
Coding change: c.3380C>G on transcript NM_032776.3 (MANE Select); coding-DNA position 3380, C replaced by G.
Protein change: p.Ala1127Gly; replaces alanine 1127 with glycine.
Molecular consequence: missense variant. On other transcripts: non-coding transcript variant (1).
Genome position (GRCh38, 1-based): chr10:63,208,289, G>C on the plus strand (C>G on the coding strand, the complement: JMJD1C is on the minus strand). VCF-style: chr10-63208289-G-C. GRCh37 (hg19) VCF-style: chr10-64968049-G-C.
Other names: c.2834C>G, p.Ala945Gly (NM_001282948.2, NM_001318154.2); c.2516C>G, p.Ala839Gly (NM_001318153.2); c.3266C>G, p.Ala1089Gly (NM_001322252.2); c.2723C>G, p.Ala908Gly (NM_001322254.2, NM_001322258.2); short protein forms A1127G, A1089G, A839G, A945G, A908G.
Identifiers: ClinVar variation 858661 (VCV000858661.7), dbSNP rs763922279, ClinGen allele CA5518443.
Genomic context (GRCh38, chr10:63,208,289, plus strand): 5'-GGAGGCTTTGAAAGAGATGTTATAAATGAAGTCAGAGTTTGAGGATTAGCTGCTGCCGCT[G>C]CAAGGGCATTACTCTGTTTATCACCGTAAATATTTGAAACTTCTTTGGATGGGTATGATC-3'
Protein context (NP_116165.1, residues 1117-1137): IYGDKQSNAL[Ala1127Gly]AAAANPQTLT

ClinVar aggregate classification (germline): Uncertain significance (1 of 4 stars; one submission).

Conditions:
Early Myoclonic Encephalopathy. Identifiers: MedGen C0270855.

Allele frequency attached by ClinVar (database versions not stated): ExAC 0.00001; gnomAD 0.00001; gnomAD exomes 0.00001; TOPMed 0.00003.
gnomAD v4.1: 11 of 1,613,950 alleles (0.00068%); highest among the groups gnomAD compares: Non-Finnish European, 0.00093%; no homozygotes.

Submission:

Labcorp Genetics (formerly Invitae), Labcorp
Classification: Uncertain significance for Early Myoclonic Encephalopathy. Last evaluated: 2022-07-06. Review status: criteria provided, single submitter. Criteria: Invitae Variant Classification Sherloc (09022015). Collection method: clinical testing. Allele origin: germline.
Comment: In summary, the available evidence is currently insufficient to determine the role of this variant in disease. Therefore, it has been classified as a Variant of Uncertain Significance. Algorithms developed to predict the effect of missense changes on protein structure and function output the following: SIFT: "Tolerated"; PolyPhen-2: "Benign"; Align-GVGD: "Class C0". The glycine amino acid residue is found in multiple mammalian species, which suggests that this missense change does not adversely affect protein function. ClinVar contains an entry for this variant (Variation ID: 858661). This variant has not been reported in the literature in individuals affected with JMJD1C-related conditions. This variant is present in population databases (rs763922279, gnomAD 0.002%). This sequence change replaces alanine, which is neutral and non-polar, with glycine, which is neutral and non-polar, at codon 1127 of the JMJD1C protein (p.Ala1127Gly).